The following is an entry in ClinVar:

ClinVar aggregate classification (germline): Uncertain significance (1 of 4 stars; one submission).

Conditions:
Episodic kinesigenic dyskinesia (EKD). Also called: Paroxysmal kinesigenic dyskinesia. Identifiers: Orphanet 98809, MedGen C1868682, MONDO:0044202.

Submission:

Labcorp Genetics (formerly Invitae), Labcorp
Classification: Uncertain significance for Episodic kinesigenic dyskinesia. Last evaluated: 2022-08-05. Review status: criteria provided, single submitter. Criteria: Invitae Variant Classification Sherloc (09022015). Collection method: clinical testing. Allele origin: germline.
Comment: In summary, the available evidence is currently insufficient to determine the role of this variant in disease. Therefore, it has been classified as a Variant of Uncertain Significance. Algorithms developed to predict the effect of missense changes on protein structure and function output the following: SIFT: "Deleterious"; PolyPhen-2: "Benign"; Align-GVGD: "Class C0". The leucine amino acid residue is found in multiple mammalian species, which suggests that this missense change does not adversely affect protein function. This variant has not been reported in the literature in individuals affected with PRRT2-related conditions. This variant is not present in population databases (gnomAD no frequency). This sequence change replaces proline, which is neutral and non-polar, with leucine, which is neutral and non-polar, at codon 142 of the PRRT2 protein (p.Pro142Leu).

NM_145239.3(PRRT2):c.425C>T (p.Pro142Leu)

Genes: MVP-DT (MVP divergent transcript; minus strand), PRRT2 (proline rich transmembrane protein 2; plus strand). Cytogenetic location: 16p11.2.
Variant type: single nucleotide variant.
Coding change: c.425C>T on transcript NM_145239.3 (MANE Select); coding-DNA position 425, C replaced by T.
Protein change: p.Pro142Leu; replaces proline 142 with leucine.
Molecular consequence: missense variant.
Genome position (GRCh38, 1-based): chr16:29,813,479, C>T. VCF-style: chr16-29813479-C-T. GRCh37 (hg19) VCF-style: chr16-29824800-C-T.
Other names: c.425C>T, p.Pro142Leu (NM_001256442.2, NM_001256443.2); short protein forms P142L.
Identifiers: ClinVar variation 1715135 (VCV001715135.6), dbSNP rs2543333217, ClinGen allele CA395478637.
Genomic context (GRCh38, chr16:29,813,479, plus strand): 5'-AGGGGTCCAGGCTGGAGTCTGCAGCCCCACCTGAACCAGCCCCAGAGCCTGCTCCCCAAC[C>T]AGACCCCCGGCCAGATTCCCAGCCTACCCCCAAGCCAGCCCTTCAACCAGAGCTCCCTAC-3'
Protein context (NP_660282.2, residues 132-152): PEPAPEPAPQ[Pro142Leu]DPRPDSQPTP